The following is an entry in ClinVar:

NM_018943.3(TUBA8):c.1081A>G (p.Thr361Ala)

Gene: TUBA8 (tubulin alpha 8; plus strand). Cytogenetic location: 22q11.21.
Variant type: single nucleotide variant.
Coding change: c.1081A>G on transcript NM_018943.3 (MANE Select); coding-DNA position 1081, A replaced by G.
Protein change: p.Thr361Ala; replaces threonine 361 with alanine.
Molecular consequence: missense variant.
Genome position (GRCh38, 1-based): chr22:18,130,867, A>G. VCF-style: chr22-18130867-A-G. GRCh37 (hg19) VCF-style: chr22-18613634-A-G.
Other names: c.883A>G, p.Thr295Ala (NM_001193414.2); short protein forms T295A, T361A.
Identifiers: ClinVar variation 1962324 (VCV001962324.5), dbSNP rs1928479866, ClinGen allele CA410266711.

ClinVar aggregate classification (germline): Uncertain significance (1 of 4 stars; one submission).

Submission:

Labcorp Genetics (formerly Invitae), Labcorp
Classification: Uncertain significance. Last evaluated: 2025-09-18. Review status: criteria provided, single submitter. Criteria: Invitae Variant Classification Sherloc (09022015). Collection method: clinical testing. Allele origin: germline.
Comment: This sequence change replaces threonine, which is neutral and polar, with alanine, which is neutral and non-polar, at codon 361 of the TUBA8 protein (p.Thr361Ala). This variant is not present in population databases (gnomAD no frequency). This variant has not been reported in the literature in individuals affected with TUBA8-related conditions. ClinVar contains an entry for this variant (Variation ID: 1962324). Invitae Evidence Modeling of protein sequence and biophysical properties (such as structural, functional, and spatial information, amino acid conservation, physicochemical variation, residue mobility, and thermodynamic stability) indicates that this missense variant is not expected to disrupt TUBA8 protein function with a negative predictive value of 80%. In summary, the available evidence is currently insufficient to determine the role of this variant in disease. Therefore, it has been classified as a Variant of Uncertain Significance.